The following is an entry in ClinVar:

NM_032861.4(SERAC1):c.931T>C (p.Cys311Arg)

Gene: SERAC1 (serine active site containing 1; minus strand). Cytogenetic location: 6q25.3.
Variant type: single nucleotide variant.
Coding change: c.931T>C on transcript NM_032861.4 (MANE Select); coding-DNA position 931, T replaced by C.
Protein change: p.Cys311Arg; replaces cysteine 311 with arginine.
Molecular consequence: missense variant. On other transcripts: non-coding transcript variant (1).
Genome position (GRCh38, 1-based): chr6:158,128,192, A>G on the plus strand (T>C on the coding strand, the complement: SERAC1 is on the minus strand). VCF-style: chr6-158128192-A-G. GRCh37 (hg19) VCF-style: chr6-158549224-A-G.
Other names: short protein forms C311R.
Identifiers: ClinVar variation 1058992 (VCV001058992.9), dbSNP rs2128415147, ClinGen allele CA366259980.
Genomic context (GRCh38, chr6:158,128,192, plus strand): 5'-GATGTTCATTCAAAGCCATATTTCCAATGACACGCATTATATTTCTCTGTACTTTAGGGC[A>G]GTCCTTGTGAAGTCGGTACAGCCTCTGAAGTAGCTGCAGGCCTCCATTTGCTTCGATTTT-3'
Protein context (NP_116250.3, residues 301-321): LQRLYRLHKD[Cys311Arg]PKVQRNIMRV

ClinVar aggregate classification (germline): Uncertain significance (1 of 4 stars; one submission).

Conditions:
3-methylglutaconic aciduria with deafness, encephalopathy, and Leigh-like syndrome (MEGDEL). Also called: SERAC1 Deficiency; 3-METHYLGLUTACONIC ACIDURIA, TYPE VI; MEGDEL syndrome. Identifiers: Orphanet 352328, MedGen C4040739, MONDO:0013875, OMIM 614739.

Submission:

Labcorp Genetics (formerly Invitae), Labcorp
Classification: Uncertain significance for 3-methylglutaconic aciduria with deafness, encephalopathy, and Leigh-like syndrome. Last evaluated: 2022-02-03. Review status: criteria provided, single submitter. Criteria: Invitae Variant Classification Sherloc (09022015). Collection method: clinical testing. Allele origin: germline.
Comment: This sequence change replaces cysteine, which is neutral and slightly polar, with arginine, which is basic and polar, at codon 311 of the SERAC1 protein (p.Cys311Arg). This variant is not present in population databases (gnomAD no frequency). This variant has not been reported in the literature in individuals affected with SERAC1-related conditions. ClinVar contains an entry for this variant (Variation ID: 1058992). Algorithms developed to predict the effect of missense changes on protein structure and function (SIFT, PolyPhen-2, Align-GVGD) all suggest that this variant is likely to be tolerated. In summary, the available evidence is currently insufficient to determine the role of this variant in disease. Therefore, it has been classified as a Variant of Uncertain Significance.